The following is an entry in ClinVar:

ClinVar aggregate classification (germline): Pathogenic (1 of 4 stars; one submission).

Submission:

GeneDx
Classification: Pathogenic. Last evaluated: 2025-06-11. Review status: criteria provided, single submitter. Criteria: GeneDx Variant Classification Process June 2021. Collection method: clinical testing. Allele origin: germline. Affected: yes.
Comment: Nonsense variant predicted to result in protein truncation or nonsense mediated decay in a gene for which loss of function is a known mechanism of disease; Not observed at significant frequency in large population cohorts (gnomAD); This variant is associated with the following publications: (PMID: 25525159, 11129337)

NM_000268.4(NF2):c.1443C>G (p.Tyr481Ter)

Gene: NF2 (NF2, moesin-ezrin-radixin like (MERLIN) tumor suppressor; plus strand). Cytogenetic location: 22q12.2.
Variant type: single nucleotide variant.
Coding change: c.1443C>G on transcript NM_000268.4 (MANE Select); coding-DNA position 1443, C replaced by G.
Protein change: p.Tyr481Ter; replaces tyrosine 481 with a stop codon.
Molecular consequence: nonsense. On other transcripts: non-coding transcript variant (1), intron variant (1).
Genome position (GRCh38, 1-based): chr22:29,674,938, C>G. VCF-style: chr22-29674938-C-G. GRCh37 (hg19) VCF-style: chr22-30070927-C-G.
Other names: c.1329C>G, p.Tyr443Ter (NM_001407053.1, NM_001407056.1); c.1320C>G, p.Tyr440Ter (NM_001407054.1, NM_001407058.1, NM_181829.3); c.1317C>G, p.Tyr439Ter (NM_001407055.1, NM_181828.3); c.1308C>G, p.Tyr436Ter (NM_001407057.1, NM_001407059.1); c.1443C>G, p.Tyr481Ter (NM_001407060.1, NM_001407066.1, NM_016418.5 and 2 more transcripts); c.1185C>G, p.Tyr395Ter (NM_001407062.1); c.1194C>G, p.Tyr398Ter (NM_001407063.1, NM_001407064.1, NM_181830.3 and 1 more transcripts); c.909C>G, p.Tyr303Ter (NM_001407065.1); and 2 more; short protein forms Y303*, Y395*, Y398*, Y404*, Y436*, Y439*, Y440*, Y443*.
Identifiers: ClinVar variation 4537817 (VCV004537817.1).